The following is an entry in ClinVar:

NM_005066.3(SFPQ):c.63A>C (p.Gly21=)

Gene: SFPQ (splicing factor proline and glutamine rich; minus strand). Cytogenetic location: 1p34.3.
Variant type: single nucleotide variant.
Coding change: c.63A>C on transcript NM_005066.3 (MANE Select); coding-DNA position 63, A replaced by C.
Protein change: p.Gly21=; no amino-acid change (glycine 21 retained).
Molecular consequence: synonymous variant. On other transcripts: non-coding transcript variant (2).
Genome position (GRCh38, 1-based): chr1:35,192,987, T>G on the plus strand (A>C on the coding strand, the complement: SFPQ is on the minus strand). VCF-style: chr1-35192987-T-G. GRCh37 (hg19) VCF-style: chr1-35658588-T-G.
Identifiers: ClinVar variation 2638644 (VCV002638644.24), dbSNP rs539662151, ClinGen allele CA758107.

ClinVar aggregate classification (germline): Likely benign (1 of 4 stars; one submission).

Allele frequency attached by ClinVar (database versions not stated): ExAC 0.00042; gnomAD exomes 0.00044; 1000 Genomes Project 0.00060; 1000 Genomes Project 30x 0.00078; gnomAD 0.00034; TOPMed 0.00041.
gnomAD v4.1: 674 of 1,527,008 alleles (0.044%); highest among the groups gnomAD compares: Non-Finnish European, 0.052%; no homozygotes.

Submission:

CeGaT Center for Human Genetics Tuebingen
Classification: Likely benign. Last evaluated: 2023-03-01. Review status: criteria provided, single submitter. Criteria: CeGaT Center For Human Genetics Tuebingen Variant Classification Criteria Version 2. Collection method: clinical testing. Allele origin: germline. Affected: yes. Observed: 1 variant allele.
Comment: SFPQ: BP4, BP7